The following is an entry in ClinVar:

NM_000059.4(BRCA2):c.4451A>G (p.Asp1484Gly)

Gene: BRCA2 (BRCA2 DNA repair associated; plus strand). Cytogenetic location: 13q13.1.
Variant type: single nucleotide variant.
Coding change: c.4451A>G on transcript NM_000059.4 (MANE Select); coding-DNA position 4451, A replaced by G.
Protein change: p.Asp1484Gly; replaces aspartic acid 1484 with glycine.
Molecular consequence: missense variant.
Genome position (GRCh38, 1-based): chr13:32,338,806, A>G. VCF-style: chr13-32338806-A-G. GRCh37 (hg19) VCF-style: chr13-32912943-A-G.
Other names: short protein forms D1484G.
Identifiers: ClinVar variation 642099 (VCV000642099.14), dbSNP rs1327059542, ClinGen allele CA387781373.

ClinVar aggregate classification (germline): Conflicting classifications of pathogenicity. Review status: criteria provided, conflicting classifications (1 of 4 stars). 4 submissions from 4 submitters: Uncertain significance (3); Likely benign (1). Last evaluated 2026-01-20.

Conditions:
Hereditary cancer-predisposing syndrome. Also called: Neoplastic Syndromes, Hereditary; Hereditary neoplastic syndrome; Tumor predisposition; Hereditary Cancer Syndrome. Identifiers: Orphanet 140162, MedGen C0027672, MeSH D009386, MONDO:0015356.
Hereditary breast ovarian cancer syndrome. Also called: Hereditary breast and/or ovarian cancer syndrome; Breast and ovarian cancer; Hereditary breast and ovarian cancer; Hereditary breast and ovarian cancer syndrome (HBOC); Hereditary breast and ovarian cancer syndrome; BRCA1- and BRCA2-Associated Hereditary Breast and Ovarian Cancer. Identifiers: Orphanet 145, MedGen C0677776, MeSH D061325, MONDO:0003582. Disease mechanism: loss of function.

Submissions (4):

Ambry Genetics
Classification: Uncertain significance for Hereditary cancer-predisposing syndrome. Last evaluated: 2026-01-20. Review status: criteria provided, single submitter. Criteria: Ambry Variant Classification Scheme 2023. Collection method: clinical testing. Allele origin: germline.
Comment: The p.D1484G variant (also known as c.4451A>G), located in coding exon 10 of the BRCA2 gene, results from an A to G substitution at nucleotide position 4451. The aspartic acid at codon 1484 is replaced by glycine, an amino acid with similar properties. This amino acid position is conserved. In addition, this alteration is predicted to be tolerated by in silico analysis. Based on the available evidence, the clinical significance of this variant remains unclear.

Labcorp Genetics (formerly Invitae), Labcorp
Classification: Uncertain significance for Hereditary breast ovarian cancer syndrome. Last evaluated: 2023-05-03. Review status: criteria provided, single submitter. Criteria: Invitae Variant Classification Sherloc (09022015). Collection method: clinical testing. Allele origin: germline.
Comment: Advanced modeling of protein sequence and biophysical properties (such as structural, functional, and spatial information, amino acid conservation, physicochemical variation, residue mobility, and thermodynamic stability) performed at Invitae indicates that this missense variant is not expected to disrupt BRCA2 protein function. In summary, the available evidence is currently insufficient to determine the role of this variant in disease. Therefore, it has been classified as a Variant of Uncertain Significance. ClinVar contains an entry for this variant (Variation ID: 642099). This variant has not been reported in the literature in individuals affected with BRCA2-related conditions. This variant is not present in population databases (gnomAD no frequency). This sequence change replaces aspartic acid, which is acidic and polar, with glycine, which is neutral and non-polar, at codon 1484 of the BRCA2 protein (p.Asp1484Gly).

University of Washington Department of Laboratory Medicine, University of Washington
Classification: Likely benign for Hereditary cancer-predisposing syndrome. Last evaluated: 2023-03-23. Review status: criteria provided, single submitter. Criteria: Dines et al. (Genet Med. 2020). Collection method: curation. Allele origin: germline.
Comment: Missense variant in a coldspot region where missense variants are very unlikely to be pathogenic (PMID:31911673).

BRCA2 exon 11 coldspot. Reclassification based on statistical prior probability.

Color Diagnostics, LLC DBA Color Health
Classification: Uncertain significance for Hereditary cancer-predisposing syndrome. Last evaluated: 2019-09-20. Review status: criteria provided, single submitter. Criteria: ACMG Guidelines, 2015. Collection method: clinical testing. Allele origin: germline.
Comment: This missense variant replaces aspartic acid with glycine at codon 1484 of the BRCA2 protein. Computational prediction tool suggests that this variant may not impact protein structure and function (internally defined REVEL score threshold ≤0.5, PMID: 27666373). Splice site prediction tools suggest that this variant may not impact RNA splicing. To our knowledge, functional studies have not been performed for this variant. This variant has not been reported in individuals affected with hereditary cancer in the literature. This variant has not been identified in the general population by the Genome Aggregation Database (gnomAD). The available evidence is insufficient to determine the role of this variant in disease conclusively. Therefore, this variant is classified as a Variant of Uncertain Significance.